The following is an entry in ClinVar:

ClinVar aggregate classification (germline): Uncertain significance (1 of 4 stars; one submission).

gnomAD v4.1: 1 of 1,614,140 alleles (0.000062%); highest among the groups gnomAD compares: African/African-American, 0.0013%; no homozygotes.

Submission:

GeneDx
Classification: Uncertain significance. Last evaluated: 2022-08-31. Review status: criteria provided, single submitter. Criteria: GeneDx Variant Classification Process June 2021. Collection method: clinical testing. Allele origin: germline. Affected: yes.
Comment: Not observed at significant frequency in large population cohorts (gnomAD); In silico analysis supports that this missense variant has a deleterious effect on protein structure/function; Has not been previously published as pathogenic or benign to our knowledge

NM_001394062.1(MACF1):c.13714A>T (p.Ser4572Cys)

Gene: MACF1 (microtubule actin crosslinking factor 1; plus strand). Cytogenetic location: 1p34.3.
Variant type: single nucleotide variant.
Coding change: c.13714A>T on transcript NM_001394062.1 (MANE Select); coding-DNA position 13714, A replaced by T.
Protein change: p.Ser4572Cys; replaces serine 4572 with cysteine.
Molecular consequence: missense variant.
Genome position (GRCh38, 1-based): chr1:39,382,018, A>T. VCF-style: chr1-39382018-A-T. GRCh37 (hg19) VCF-style: chr1-39847690-A-T.
Other names: c.7528A>T, p.Ser2510Cys (NM_012090.5); short protein forms S2510C, S4572C.
Identifiers: ClinVar variation 2442626 (VCV002442626.1), dbSNP rs756513852, ClinGen allele CA339832584.